The following is an entry in ClinVar:

ClinVar aggregate classification (germline): Uncertain significance (1 of 4 stars; one submission).

Allele frequency attached by ClinVar (database versions not stated): gnomAD exomes below 0.00001; TOPMed below 0.00001.
gnomAD v4.1: 4 of 1,613,736 alleles (0.00025%); highest among the groups gnomAD compares: Non-Finnish European, 0.00025%; no homozygotes.

Submission:

Labcorp Genetics (formerly Invitae), Labcorp
Classification: Uncertain significance. Last evaluated: 2025-06-30. Review status: criteria provided, single submitter. Criteria: Invitae Variant Classification Sherloc (09022015). Collection method: clinical testing. Allele origin: germline.
Comment: This sequence change replaces lysine, which is basic and polar, with glutamic acid, which is acidic and polar, at codon 654 of the SUCO protein (p.Lys654Glu). This variant is present in population databases (no rsID available, gnomAD 0.0009%). This variant has not been reported in the literature in individuals affected with SUCO-related conditions. ClinVar contains an entry for this variant (Variation ID: 2170301). An algorithm developed to predict the effect of missense changes on protein structure and function outputs the following: PolyPhen-2: "Benign". The glutamic acid amino acid residue is found in multiple mammalian species, which suggests that this missense change does not adversely affect protein function. In summary, the available evidence is currently insufficient to determine the role of this variant in disease. Therefore, it has been classified as a Variant of Uncertain Significance.

NM_014283.5(SUCO):c.1960A>G (p.Lys654Glu)

Gene: SUCO (SUN domain containing ossification factor; plus strand). Cytogenetic location: 1q24.3.
Variant type: single nucleotide variant.
Coding change: c.1960A>G on transcript NM_014283.5 (MANE Select); coding-DNA position 1960, A replaced by G.
Protein change: p.Lys654Glu; replaces lysine 654 with glutamic acid.
Molecular consequence: missense variant. On other transcripts: intron variant (1).
Genome position (GRCh38, 1-based): chr1:172,589,061, A>G. VCF-style: chr1-172589061-A-G. GRCh37 (hg19) VCF-style: chr1-172558201-A-G.
Other names: c.271A>G, p.Lys91Glu (NM_001282751.2); c.2413A>G, p.Lys805Glu (NM_016227.4); c.1712+137A>G (NM_001282750.2); short protein forms K654E, K91E, K805E.
Identifiers: ClinVar variation 2170301 (VCV002170301.4), dbSNP rs1357377871, ClinGen allele CA343742241.